The following is an entry in ClinVar:

ClinVar aggregate classification (germline): Uncertain significance (1 of 4 stars; one submission).

Conditions:
Inborn genetic diseases. Identifiers: MedGen C0950123, MeSH D030342.

Allele frequency attached by ClinVar (database versions not stated): TOPMed below 0.00001.

Submission:

Ambry Genetics
Classification: Uncertain significance for Inborn genetic diseases. Last evaluated: 2024-01-13. Review status: criteria provided, single submitter. Criteria: Ambry Variant Classification Scheme 2023. Collection method: clinical testing. Allele origin: germline.
Comment: The p.G2170R variant (also known as c.6508G>C), located in coding exon 44 of the LRRK2 gene, results from a G to C substitution at nucleotide position 6508. The glycine at codon 2170 is replaced by arginine, an amino acid with dissimilar properties. This amino acid position is conserved. In addition, this alteration is predicted to be deleterious by in silico analysis. Since supporting evidence is limited at this time, the clinical significance of this alteration remains unclear.

NM_198578.4(LRRK2):c.6508G>C (p.Gly2170Arg)

Gene: LRRK2 (leucine rich repeat kinase 2; plus strand). Cytogenetic location: 12q12.
Variant type: single nucleotide variant.
Coding change: c.6508G>C on transcript NM_198578.4 (MANE Select); coding-DNA position 6508, G replaced by C.
Protein change: p.Gly2170Arg; replaces glycine 2170 with arginine.
Molecular consequence: missense variant.
Genome position (GRCh38, 1-based): chr12:40,351,665, G>C. VCF-style: chr12-40351665-G-C. GRCh37 (hg19) VCF-style: chr12-40745467-G-C.
Other names: short protein forms G2170R.
Identifiers: ClinVar variation 3229735 (VCV003229735.1), dbSNP rs1465603687, ClinGen allele CA384407127.